The following is an entry in ClinVar:

ClinVar aggregate classification (germline): Benign. Review status: criteria provided, multiple submitters, no conflicts (2 of 4 stars). 9 submissions from 8 submitters: Benign (7). 2 of the submissions do not count toward it. Last evaluated 2026-02-04.

Conditions:
Achromatopsia. Also called: Rod monochromatism. Identifiers: Orphanet 49382, MedGen C0152200, MONDO:0018852, HP:0011516.
Cone dystrophy 4 (COD4). Identifiers: Orphanet 49382, MedGen C2751308, MONDO:0013129, OMIM 613093.

Allele frequency attached by ClinVar (database versions not stated): 1000 Genomes Project 0.16434; 1000 Genomes Project 30x 0.16474; TOPMed 0.19381; ESP Exome Variant Server 0.19453.
gnomAD v4.1: 284,823 of 1,613,762 alleles (18%); highest among the groups gnomAD compares: Middle Eastern, 24%; 26,106 homozygotes.

Submissions (9):

Labcorp Genetics (formerly Invitae), Labcorp
Classification: Benign. Last evaluated: 2026-02-04. Review status: criteria provided, single submitter. Criteria: Invitae Variant Classification Sherloc (09022015). Collection method: clinical testing. Allele origin: germline.

GeneDx
Classification: Benign. Last evaluated: 2018-12-18. Review status: criteria provided, single submitter. Criteria: GeneDx Variant Classification Process June 2021. Collection method: clinical testing. Allele origin: germline. Affected: yes.

Illumina Laboratory Services, Illumina
Classification: Benign for Cone dystrophy 4. Last evaluated: 2018-01-13. Review status: criteria provided, single submitter. Criteria: ICSL Variant Classification Criteria 13 December 2019. Collection method: clinical testing. Allele origin: germline.
Comment: This variant was observed in the ICSL laboratory as part of a predisposition screen in an ostensibly healthy population. It had not been previously curated by ICSL or reported in the Human Gene Mutation Database (HGMD: prior to June 1st, 2018), and was therefore a candidate for classification through an automated scoring system. Utilizing variant allele frequency, disease prevalence and penetrance estimates, and inheritance mode, an automated score was calculated to assess if this variant is too frequent to cause the disease. Based on the score and internal cut-off values, a variant classified as benign is not then subjected to further curation. The score for this variant resulted in a classification of benign for this disease.

Illumina Laboratory Services, Illumina
Classification: Benign for Achromatopsia. Last evaluated: 2018-01-13. Review status: criteria provided, single submitter. Criteria: ICSL Variant Classification Criteria 13 December 2019. Collection method: clinical testing. Allele origin: germline.
Comment: the same text as in the submission from Illumina Laboratory Services, Illumina above.

Eurofins Ntd Llc (ga)
Classification: Benign. Last evaluated: 2013-09-19. Review status: criteria provided, single submitter. Criteria: EGL Classification Definitions 2015. Collection method: clinical testing. Allele origin: germline. Observed: 4 variant alleles, 4 heterozygotes.

Breakthrough Genomics
Classification: Benign. Review status: criteria provided, single submitter. Criteria: ACMG Guidelines, 2015. Collection method: not provided. Allele origin: germline. Inheritance: Autosomal recessive inheritance. Affected: yes.

PreventionGenetics, part of Exact Sciences
Classification: Benign. Review status: criteria provided, single submitter. Criteria: ACMG Guidelines, 2015. Collection method: clinical testing. Allele origin: germline.

Diagnostic Laboratory, Department of Genetics, University Medical Center Groningen
Classification: Benign. Review status: no assertion criteria provided. Collection method: clinical testing. Allele origin: germline. Affected: yes. Study: VKGL Data-share Consensus. Not counted in ClinVar's aggregate classification.

Joint Genome Diagnostic Labs from Nijmegen and Maastricht, Radboudumc and MUMC+
Classification: Benign. Review status: no assertion criteria provided. Collection method: clinical testing. Allele origin: germline. Affected: yes. Study: VKGL Data-share Consensus. Not counted in ClinVar's aggregate classification.

NM_006204.4(PDE6C):c.252G>A (p.Leu84=)

Gene: PDE6C (phosphodiesterase 6C; plus strand). Cytogenetic location: 10q23.33.
Variant type: single nucleotide variant.
Coding change: c.252G>A on transcript NM_006204.4 (MANE Select); coding-DNA position 252, G replaced by A.
Protein change: p.Leu84=; no amino-acid change (leucine 84 retained).
Molecular consequence: synonymous variant.
Genome position (GRCh38, 1-based): chr10:93,612,977, G>A. VCF-style: chr10-93612977-G-A. GRCh37 (hg19) VCF-style: chr10-95372734-G-A.
Identifiers: ClinVar variation 95346 (VCV000095346.26), dbSNP rs1131978, ClinGen allele CA148457.